The following is an entry in ClinVar:

ClinVar aggregate classification (germline): Conflicting classifications of pathogenicity. Review status: criteria provided, conflicting classifications (1 of 4 stars). 5 submissions from 5 submitters: Uncertain significance (4); Likely benign (1). Last evaluated 2026-05-04.

Conditions:
Long QT syndrome (LQTS). Identifiers: MedGen C0023976, MeSH D008133, MONDO:0002442. Disease mechanism: loss of function. Inheritance: Various modes of inheritance.
Cardiovascular phenotype. Identifiers: MedGen CN230736.
Cardiac arrhythmia, ankyrin-B-related. Also called: ANKYRIN-B SYNDROME. Identifiers: Orphanet 101016, Orphanet 768, MedGen C1970119, MONDO:0010958, OMIM 600919.

Allele frequency attached by ClinVar (database versions not stated): gnomAD exomes 0.00001 and 0.00002; gnomAD 0.00010 and 0.00013; 1000 Genomes Project 0.00080; ExAC 0.00005; ESP Exome Variant Server 0.00008; TOPMed 0.00013; 1000 Genomes Project 30x 0.00094.
gnomAD v4.1: 37 of 1,614,170 alleles (0.0023%); highest among the groups gnomAD compares: African/African-American, 0.044%; no homozygotes.

Submissions (5):

Women's Health and Genetics/Laboratory Corporation of America, LabCorp
Classification: Uncertain significance. Last evaluated: 2026-05-04. Review status: criteria provided, single submitter. Criteria: LabCorp Variant Classification Summary - May 2015. Collection method: clinical testing. Allele origin: germline.
Comment: Variant summary: ANK2 c.7868C>G (p.Ser2623Cys) results in a non-conservative amino acid change in the encoded protein sequence. Algorithms developed to predict the effect of missense changes on protein structure and function are either unavailable or do not agree on the potential impact of this missense change. The variant allele was found at a frequency of 2e-05 in 250614 control chromosomes (gnomAD). The available data on variant occurrences in the general population are insufficient to allow any conclusion about variant significance. c.7868C>G has been observed in individuals affected with cardiomyopathy without strong evidence of causality (e.g. Lopes_2015, Burstein_2021). These reports do not provide unequivocal conclusions about association of the variant with Long QT Syndrome. To our knowledge, no experimental evidence demonstrating an impact on protein function has been reported. The following publications have been ascertained in the context of this evaluation (PMID: 32746448, 25351510). ClinVar contains an entry for this variant (Variation ID: 450443). Based on the evidence outlined above, the variant was classified as uncertain significance.

Labcorp Genetics (formerly Invitae), Labcorp
Classification: Uncertain significance for Long QT syndrome. Last evaluated: 2026-01-14. Review status: criteria provided, single submitter. Criteria: Invitae Variant Classification Sherloc (09022015). Collection method: clinical testing. Allele origin: germline.
Comment: This sequence change replaces serine, which is neutral and polar, with cysteine, which is neutral and slightly polar, at codon 2623 of the ANK2 protein (p.Ser2623Cys). This variant is present in population databases (rs116253689, gnomAD 0.02%). This missense change has been observed in individual(s) with ANK2-related conditions (PMID: 25351510, 32746448). ClinVar contains an entry for this variant (Variation ID: 450443). An algorithm developed to predict the effect of missense changes on protein structure and function (PolyPhen-2) suggests that this variant is likely to be disruptive. In summary, the available evidence is currently insufficient to determine the role of this variant in disease. Therefore, it has been classified as a Variant of Uncertain Significance.

GeneDx
Classification: Uncertain significance. Last evaluated: 2023-10-05. Review status: criteria provided, single submitter. Criteria: GeneDx Variant Classification Process June 2021. Collection method: clinical testing. Allele origin: germline. Affected: yes.
Comment: In silico analysis supports that this missense variant does not alter protein structure/function; This variant is associated with the following publications: (PMID: 25351510, 32746448, 1830053, 18790697, 26109584)

Fulgent Genetics
Classification: Uncertain significance for Cardiac arrhythmia, ankyrin-B-related. Last evaluated: 2021-09-27. Review status: criteria provided, single submitter. Criteria: ACMG Guidelines, 2015. Collection method: clinical testing. Allele origin: unknown.

Ambry Genetics
Classification: Likely benign for Cardiovascular phenotype. Last evaluated: 2018-11-14. Review status: criteria provided, single submitter. Criteria: Ambry Variant Classification Scheme 2023. Collection method: clinical testing. Allele origin: germline.

Literature cited by the submitters: PubMed 25351510 (cited by Women's Health and Genetics/Laboratory Corporation of America, LabCorp and Labcorp Genetics (formerly Invitae), Labcorp); PubMed 32746448 (cited by Women's Health and Genetics/Laboratory Corporation of America, LabCorp and Labcorp Genetics (formerly Invitae), Labcorp).

NM_001148.6(ANK2):c.7868C>G (p.Ser2623Cys)

Genes: ANK2 (ankyrin 2; plus strand), LOC126807137 (CDK7 strongly-dependent group 2 enhancer GRCh37_chr4:114276560-114277759; plus strand). Cytogenetic location: 4q26.
Variant type: single nucleotide variant.
Coding change: c.7868C>G on transcript NM_001148.6 (MANE Select); coding-DNA position 7868, C replaced by G.
Protein change: p.Ser2623Cys; replaces serine 2623 with cysteine.
Molecular consequence: missense variant. On other transcripts: intron variant (68).
Genome position (GRCh38, 1-based): chr4:113,356,486, C>G. VCF-style: chr4-113356486-C-G. GRCh37 (hg19) VCF-style: chr4-114277642-C-G.
Other names: c.7634C>G, p.Ser2545Cys (NM_001386142.1); c.4268C>G, p.Ser1423Cys (NM_001386166.1); c.8009C>G, p.Ser2670Cys (NM_001386174.1); c.7985C>G, p.Ser2662Cys (NM_001386175.1); c.4412-4337C>G (NM_001386186.2, NM_001386148.2); c.4214-4337C>G (NM_001354269.3); c.4292-4337C>G (NM_001386187.2); c.4253-4337C>G (NM_001386147.1); and 35 more; short protein forms S2623C, S1423C, S2545C, S2662C, S2670C.
Identifiers: ClinVar variation 450443 (VCV000450443.15), dbSNP rs116253689, ClinGen allele CA3051664.